The following is an entry in ClinVar:

NC_000002.11:g.(?_109368307)_(109579739_?)dup

Genes: CCDC138 (coiled-coil domain containing 138; plus strand), EDAR (ectodysplasin A receptor; minus strand), RANBP2 (RAN binding protein 2; plus strand). Cytogenetic location: 2q12.3.
Variant type: Duplication.
Identifiers: ClinVar variation 2425553 (VCV002425553.4).

ClinVar aggregate classification (germline): Uncertain significance (1 of 4 stars; one submission).

Conditions:
Familial acute necrotizing encephalopathy (IIAE3). Also called: ENCEPHALOPATHY, ACUTE, INFECTION-INDUCED, SUSCEPTIBILITY TO, 3; Susceptibility to Acute Necrotizing Encephalopathy 1. Identifiers: Orphanet 88619, MedGen C2675556, MONDO:0011953, OMIM 608033.

Submission:

Labcorp Genetics (formerly Invitae), Labcorp
Classification: Uncertain significance for Familial acute necrotizing encephalopathy. Last evaluated: 2022-06-10. Review status: criteria provided, single submitter. Criteria: Invitae Variant Classification Sherloc (09022015). Collection method: clinical testing. Allele origin: germline.
Comment: This variant results in a copy number gain of the genomic region encompassing exon(s) 12-29 of the RANBP2 gene. This region includes the termination codon of the gene. This copy number gain extends beyond the assayed region for this gene and therefore may encompass additional genes. As the precise location of this event is unknown, it may be in tandem or it may be located elsewhere in the genome. This variant has not been reported in the literature in individuals affected with RANBP2-related conditions. In summary, the available evidence is currently insufficient to determine the role of this variant in disease. Therefore, it has been classified as a Variant of Uncertain Significance.